The following is an entry in ClinVar:

NM_000038.6(APC):c.7244A>G (p.Glu2415Gly)

Gene: APC (APC regulator of Wnt signaling pathway; plus strand). Cytogenetic location: 5q22.2.
Variant type: single nucleotide variant.
Coding change: c.7244A>G on transcript NM_000038.6 (MANE Select); coding-DNA position 7244, A replaced by G.
Protein change: p.Glu2415Gly; replaces glutamic acid 2415 with glycine.
Molecular consequence: missense variant.
Genome position (GRCh38, 1-based): chr5:112,842,838, A>G. VCF-style: chr5-112842838-A-G. GRCh37 (hg19) VCF-style: chr5-112178535-A-G.
Other names: c.7244A>G, p.Glu2415Gly (NM_001127510.3, NM_001354895.2); c.7190A>G, p.Glu2397Gly (NM_001127511.3); c.7298A>G, p.Glu2433Gly (NM_001354896.2); c.7274A>G, p.Glu2425Gly (NM_001354897.2); c.7169A>G, p.Glu2390Gly (NM_001354898.2); c.7160A>G, p.Glu2387Gly (NM_001354899.2); c.7121A>G, p.Glu2374Gly (NM_001354900.2); c.7067A>G, p.Glu2356Gly (NM_001354901.2); and 5 more; short protein forms E2397G, E2415G, E2374G, E2132G, E2289G, E2324G, E2387G, E2255G.
Identifiers: ClinVar variation 629735 (VCV000629735.14), dbSNP rs1561613976, ClinGen allele CA16037111.

ClinVar aggregate classification (germline): Uncertain significance. Review status: criteria provided, multiple submitters, no conflicts (2 of 4 stars). 2 submissions from 2 submitters: Uncertain significance (2). Last evaluated 2025-11-09.

Conditions:
Hereditary cancer-predisposing syndrome. Also called: Neoplastic Syndromes, Hereditary; Tumor predisposition; Hereditary neoplastic syndrome; Hereditary Cancer Syndrome. Identifiers: Orphanet 140162, MedGen C0027672, MeSH D009386, MONDO:0015356.
Familial adenomatous polyposis 1 (FAP1). Also called: POLYPOSIS, ADENOMATOUS INTESTINAL; FAMILIAL ADENOMATOUS POLYPOSIS 1, ATTENUATED. Identifiers: MedGen C2713442, MONDO:0021056, OMIM 175100. Disease mechanism: loss of function.

Submissions (2):

Labcorp Genetics (formerly Invitae), Labcorp
Classification: Uncertain significance for Familial adenomatous polyposis 1. Last evaluated: 2025-11-09. Review status: criteria provided, single submitter. Criteria: Invitae Variant Classification Sherloc (09022015). Collection method: clinical testing. Allele origin: germline.
Comment: This sequence change replaces glutamic acid, which is acidic and polar, with glycine, which is neutral and non-polar, at codon 2415 of the APC protein (p.Glu2415Gly). This variant is not present in population databases (gnomAD no frequency). This variant has not been reported in the literature in individuals affected with APC-related conditions. ClinVar contains an entry for this variant (Variation ID: 629735). Invitae Evidence Modeling of protein sequence and biophysical properties (such as structural, functional, and spatial information, amino acid conservation, physicochemical variation, residue mobility, and thermodynamic stability) indicates that this missense variant is not expected to disrupt APC protein function with a negative predictive value of 95%. In summary, the available evidence is currently insufficient to determine the role of this variant in disease. Therefore, it has been classified as a Variant of Uncertain Significance.

Color Diagnostics, LLC DBA Color Health
Classification: Uncertain significance for Hereditary cancer-predisposing syndrome. Last evaluated: 2019-05-14. Review status: criteria provided, single submitter. Criteria: ACMG Guidelines, 2015. Collection method: clinical testing. Allele origin: germline.